The following is an entry in ClinVar:

NM_198578.4(LRRK2):c.3119T>C (p.Leu1040Ser)

Gene: LRRK2 (leucine rich repeat kinase 2; plus strand). Cytogenetic location: 12q12.
Variant type: single nucleotide variant.
Coding change: c.3119T>C on transcript NM_198578.4 (MANE Select); coding-DNA position 3119, T replaced by C.
Protein change: p.Leu1040Ser; replaces leucine 1040 with serine.
Molecular consequence: missense variant.
Genome position (GRCh38, 1-based): chr12:40,298,265, T>C. VCF-style: chr12-40298265-T-C. GRCh37 (hg19) VCF-style: chr12-40692067-T-C.
Other names: short protein forms L1040S.
Identifiers: ClinVar variation 1727830 (VCV001727830.2), dbSNP rs1944458936, ClinGen allele CA384414065.

ClinVar aggregate classification (germline): Uncertain significance (1 of 4 stars; one submission).

Conditions:
Inborn genetic diseases. Identifiers: MedGen C0950123, MeSH D030342.

gnomAD v4.1: 3 of 1,613,656 alleles (0.00019%); highest among the groups gnomAD compares: East Asian, 0.0022%; no homozygotes.

Submission:

Ambry Genetics
Classification: Uncertain significance for Inborn genetic diseases. Last evaluated: 2022-01-30. Review status: criteria provided, single submitter. Criteria: Ambry Variant Classification Scheme 2023. Collection method: clinical testing. Allele origin: germline.
Comment: The p.L1040S variant (also known as c.3119T>C), located in coding exon 24 of the LRRK2 gene, results from a T to C substitution at nucleotide position 3119. The leucine at codon 1040 is replaced by serine, an amino acid with dissimilar properties. This amino acid position is conserved. In addition, this alteration is predicted to be deleterious by in silico analysis. Since supporting evidence is limited at this time, the clinical significance of this alteration remains unclear.